The following is an entry in ClinVar:

ClinVar aggregate classification (germline): Uncertain significance. Review status: criteria provided, multiple submitters, no conflicts (2 of 4 stars). 3 submissions from 3 submitters: Uncertain significance (3). Last evaluated 2025-05-29.

Allele frequency attached by ClinVar (database versions not stated): ExAC 0.00005; gnomAD exomes 0.00006; ESP Exome Variant Server 0.00008; TOPMed 0.00008; gnomAD 0.00009; 1000 Genomes Project 0.00020; 1000 Genomes Project 30x 0.00031.
gnomAD v4.1: 101 of 1,614,198 alleles (0.0063%); highest among the groups gnomAD compares: Admixed American, 0.012%; no homozygotes.

Submissions (3):

Ambry Genetics
Classification: Uncertain significance. Last evaluated: 2025-05-29. Review status: criteria provided, single submitter. Criteria: Ambry Variant Classification Scheme 2023. Collection method: clinical testing. Allele origin: germline.

Blueprint Genetics
Classification: Uncertain significance. Last evaluated: 2023-09-06. Review status: criteria provided, single submitter. Criteria: ACMG Guidelines, 2015. Collection method: clinical testing. Allele origin: germline.

Labcorp Genetics (formerly Invitae), Labcorp
Classification: Uncertain significance. Last evaluated: 2022-10-04. Review status: criteria provided, single submitter. Criteria: Invitae Variant Classification Sherloc (09022015). Collection method: clinical testing. Allele origin: germline.
Comment: This sequence change replaces alanine, which is neutral and non-polar, with valine, which is neutral and non-polar, at codon 262 of the ARSG protein (p.Ala262Val). This variant is present in population databases (rs138604336, gnomAD 0.009%). This variant has not been reported in the literature in individuals affected with ARSG-related conditions. ClinVar contains an entry for this variant (Variation ID: 849075). Advanced modeling of protein sequence and biophysical properties (such as structural, functional, and spatial information, amino acid conservation, physicochemical variation, residue mobility, and thermodynamic stability) performed at Invitae indicates that this missense variant is not expected to disrupt ARSG protein function. In summary, the available evidence is currently insufficient to determine the role of this variant in disease. Therefore, it has been classified as a Variant of Uncertain Significance.

NM_001267727.2(ARSG):c.785C>T (p.Ala262Val)

Gene: ARSG (arylsulfatase G; plus strand). Cytogenetic location: 17q24.2.
Variant type: single nucleotide variant.
Coding change: c.785C>T on transcript NM_001267727.2 (MANE Select); coding-DNA position 785, C replaced by T.
Protein change: p.Ala262Val; replaces alanine 262 with valine.
Molecular consequence: missense variant.
Genome position (GRCh38, 1-based): chr17:68,368,628, C>T. VCF-style: chr17-68368628-C-T. GRCh37 (hg19) VCF-style: chr17-66364769-C-T.
Other names: c.785C>T, p.Ala262Val (NM_001352899.2, NM_001352900.2, NM_001352901.2 and 3 more transcripts); c.782C>T, p.Ala261Val (NM_001352903.2, NM_001352904.2, NM_001352905.2 and 2 more transcripts); c.737C>T, p.Ala246Val (NM_001352909.2); c.785C>T (NM_014960.3); short protein forms A246V, A262V, A261V.
Identifiers: ClinVar variation 849075 (VCV000849075.7), dbSNP rs138604336, ClinGen allele CA8728360.